The following is an entry in ClinVar:

NM_001190274.2(FBXO11):c.436C>A (p.Leu146Ile)

Gene: FBXO11 (F-box protein 11; minus strand). Cytogenetic location: 2p16.3.
Variant type: single nucleotide variant.
Coding change: c.436C>A on transcript NM_001190274.2 (MANE Select); coding-DNA position 436, C replaced by A.
Protein change: p.Leu146Ile; replaces leucine 146 with isoleucine.
Molecular consequence: missense variant.
Genome position (GRCh38, 1-based): chr2:47,839,425, G>T on the plus strand (C>A on the coding strand, the complement: FBXO11 is on the minus strand). VCF-style: chr2-47839425-G-T. GRCh37 (hg19) VCF-style: chr2-48066564-G-T.
Other names: c.184C>A, p.Leu62Ile (NM_001374325.1, NM_025133.4); short protein forms L62I, L146I.
Identifiers: ClinVar variation 1939052 (VCV001939052.5), dbSNP rs1379795348, ClinGen allele CA346813316.

ClinVar aggregate classification (germline): Uncertain significance (1 of 4 stars; one submission).

gnomAD v4.1: 1 of 1,612,338 alleles (0.000062%); highest among the groups gnomAD compares: Non-Finnish European, 0.000085%; no homozygotes.

Submission:

Labcorp Genetics (formerly Invitae), Labcorp
Classification: Uncertain significance. Last evaluated: 2022-08-05. Review status: criteria provided, single submitter. Criteria: Invitae Variant Classification Sherloc (09022015). Collection method: clinical testing. Allele origin: germline.
Comment: This sequence change replaces leucine, which is neutral and non-polar, with isoleucine, which is neutral and non-polar, at codon 146 of the FBXO11 protein (p.Leu146Ile). This variant is not present in population databases (gnomAD no frequency). In summary, the available evidence is currently insufficient to determine the role of this variant in disease. Therefore, it has been classified as a Variant of Uncertain Significance. Algorithms developed to predict the effect of missense changes on protein structure and function (SIFT, PolyPhen-2, Align-GVGD) all suggest that this variant is likely to be tolerated. This variant has not been reported in the literature in individuals affected with FBXO11-related conditions.